The following is an entry in ClinVar:

ClinVar aggregate classification (germline): Uncertain significance (1 of 4 stars; one submission).

Conditions:
Early Myoclonic Encephalopathy. Identifiers: MedGen C0270855.

Allele frequency attached by ClinVar (database versions not stated): gnomAD exomes below 0.00001.
gnomAD v4.1: 2 of 1,613,790 alleles (0.00012%); highest among the groups gnomAD compares: Non-Finnish European, 0.00017%; no homozygotes.

Submission:

Labcorp Genetics (formerly Invitae), Labcorp
Classification: Uncertain significance for Early myoclonic encephalopathy. Last evaluated: 2019-10-08. Review status: criteria provided, single submitter. Criteria: Invitae Variant Classification Sherloc (09022015). Collection method: clinical testing. Allele origin: germline.
Comment: This sequence change replaces threonine with isoleucine at codon 575 of the JMJD1C protein (p.Thr575Ile). The threonine residue is moderately conserved and there is a moderate physicochemical difference between threonine and isoleucine. This variant is not present in population databases (ExAC no frequency). This variant has not been reported in the literature in individuals with JMJD1C-related conditions. Algorithms developed to predict the effect of missense changes on protein structure and function (SIFT, PolyPhen-2, Align-GVGD) all suggest that this variant is likely to be tolerated, but these predictions have not been confirmed by published functional studies and their clinical significance is uncertain. In summary, the available evidence is currently insufficient to determine the role of this variant in disease. Therefore, it has been classified as a Variant of Uncertain Significance.

NM_032776.3(JMJD1C):c.1724C>T (p.Thr575Ile)

Gene: JMJD1C (jumonji domain containing 1C; minus strand). Cytogenetic location: 10q21.3.
Variant type: single nucleotide variant.
Coding change: c.1724C>T on transcript NM_032776.3 (MANE Select); coding-DNA position 1724, C replaced by T.
Protein change: p.Thr575Ile; replaces threonine 575 with isoleucine.
Molecular consequence: missense variant. On other transcripts: non-coding transcript variant (1).
Genome position (GRCh38, 1-based): chr10:63,214,443, G>A on the plus strand (C>T on the coding strand, the complement: JMJD1C is on the minus strand). VCF-style: chr10-63214443-G-A. GRCh37 (hg19) VCF-style: chr10-64974203-G-A.
Other names: c.1178C>T, p.Thr393Ile (NM_001282948.2, NM_001318154.2); c.860C>T, p.Thr287Ile (NM_001318153.2); c.1610C>T, p.Thr537Ile (NM_001322252.2); c.1067C>T, p.Thr356Ile (NM_001322254.2, NM_001322258.2); short protein forms T287I, T537I, T575I, T356I, T393I.
Identifiers: ClinVar variation 941273 (VCV000941273.1), dbSNP rs1847728998, ClinGen allele CA377047973.